The following is an entry in ClinVar:

NM_012434.5(SLC17A5):c.700+2T>C

Gene: SLC17A5 (solute carrier family 17 member 5; minus strand). Cytogenetic location: 6q13.
Variant type: single nucleotide variant.
Coding change: c.700+2T>C on transcript NM_012434.5 (MANE Select); the canonical splice donor site of the intron after coding-DNA position 700, T replaced by C.
Molecular consequence: splice donor variant. On other transcripts: intron variant (2).
Genome position (GRCh38, 1-based): chr6:73,636,619, A>G on the plus strand (T>C on the coding strand, the complement: SLC17A5 is on the minus strand). VCF-style: chr6-73636619-A-G. GRCh37 (hg19) VCF-style: chr6-74346342-A-G.
Other names: c.383-1119T>C (NM_001382636.1); c.469+2T>C (NM_001382629.1); c.614-1119T>C (NM_001382632.1); c.697+2T>C (NM_001382635.1); c.700+2T>C (NM_001382634.1, NM_001382630.1, NM_001382633.1); c.721+2T>C (NM_001382631.1).
Identifiers: ClinVar variation 552504 (VCV000552504.10), dbSNP rs1440688652, ClinGen allele CA364716381.

ClinVar aggregate classification (germline): Likely pathogenic. Review status: criteria provided, multiple submitters, no conflicts (2 of 4 stars). 3 submissions from 3 submitters: Likely pathogenic (2). 1 of the submissions does not count toward it. Last evaluated 2024-02-22.

Conditions:
Salla disease (SD). Also called: Sialuria, Finnish type; N-acetylneuraminic acid (NANA) storage disease (NSD); Infantile sialic acid storage disorder (ISSD); Less Severe FSASD (Salla Disease). Identifiers: Orphanet 309334, Orphanet 834, MedGen C1096903, MONDO:0011449, OMIM 604369.

Allele frequency attached by ClinVar (database versions not stated): gnomAD exomes below 0.00001; TOPMed below 0.00001.
gnomAD v4.1: 2 of 1,536,684 alleles (0.00013%); highest among the groups gnomAD compares: Admixed American, 0.0017%; no homozygotes.

Submissions (3):

Baylor Genetics
Classification: Likely pathogenic for Salla disease. Last evaluated: 2024-02-22. Review status: criteria provided, single submitter. Criteria: ACMG Guidelines, 2015. Collection method: clinical testing. Allele origin: unknown.

Labcorp Genetics (formerly Invitae), Labcorp
Classification: Likely pathogenic for Salla disease. Last evaluated: 2022-07-05. Review status: criteria provided, single submitter. Criteria: Invitae Variant Classification Sherloc (09022015). Collection method: clinical testing. Allele origin: germline.
Comment: In summary, the currently available evidence indicates that the variant is pathogenic, but additional data are needed to prove that conclusively. Therefore, this variant has been classified as Likely Pathogenic. Algorithms developed to predict the effect of sequence changes on RNA splicing suggest that this variant may disrupt the consensus splice site. ClinVar contains an entry for this variant (Variation ID: 552504). This variant has not been reported in the literature in individuals affected with SLC17A5-related conditions. This variant is present in population databases (no rsID available, gnomAD 0.003%). This sequence change affects a donor splice site in intron 5 of the SLC17A5 gene. It is expected to disrupt RNA splicing. Variants that disrupt the donor or acceptor splice site typically lead to a loss of protein function (PMID: 16199547), and loss-of-function variants in SLC17A5 are known to be pathogenic (PMID: 10581036, 10947946, 15172001).

Counsyl
Classification: Likely pathogenic for Salla disease. Last evaluated: 2017-06-13. Review status: no assertion criteria provided. Collection method: clinical testing. Allele origin: unknown. Not counted in ClinVar's aggregate classification.

Literature cited by the submitters: PubMed 16199547 (cited by Labcorp Genetics (formerly Invitae), Labcorp); PubMed 10581036 (cited by Labcorp Genetics (formerly Invitae), Labcorp); PubMed 10947946 (cited by Labcorp Genetics (formerly Invitae), Labcorp); PubMed 15172001 (cited by Labcorp Genetics (formerly Invitae), Labcorp).